The following is an entry in ClinVar:

NM_001267550.2(TTN):c.42281C>G (p.Ser14094Ter)

Gene: TTN (titin; minus strand). Cytogenetic location: 2q31.2.
Variant type: single nucleotide variant.
Coding change: c.42281C>G on transcript NM_001267550.2 (MANE Select); coding-DNA position 42281, C replaced by G.
Protein change: p.Ser14094Ter; replaces serine 14094 with a stop codon.
Molecular consequence: nonsense.
Genome position (GRCh38, 1-based): chr2:178,634,500, G>C on the plus strand (C>G on the coding strand, the complement: TTN is on the minus strand). VCF-style: chr2-178634500-G-C. GRCh37 (hg19) VCF-style: chr2-179499227-G-C.
Other names: c.37358C>G, p.Ser12453Ter (NM_001256850.1); c.15086C>G, p.Ser5029Ter (NM_003319.4); c.34577C>G, p.Ser11526Ter (NM_133378.4); c.15461C>G, p.Ser5154Ter (NM_133432.3); c.15662C>G, p.Ser5221Ter (NM_133437.4); short protein forms S11526*, S5029*, S14094*, S12453*, S5154*, S5221*.
Identifiers: ClinVar variation 2035510 (VCV002035510.4), dbSNP rs2471549126, ClinGen allele CA349655239.

ClinVar aggregate classification (germline): Likely pathogenic (1 of 4 stars; one submission).

Conditions:
Dilated cardiomyopathy 1G (CMD1G). Identifiers: Orphanet 154, MedGen C1858763, MONDO:0011400, OMIM 604145.
Autosomal recessive limb-girdle muscular dystrophy type 2J (LGMDR10). Also called: Limb-girdle muscular dystrophy, type 2J; MUSCULAR DYSTROPHY, LIMB-GIRDLE, AUTOSOMAL RECESSIVE 10. Identifiers: Orphanet 140922, MedGen C1837342, MONDO:0012127, OMIM 608807.

Allele frequency attached by ClinVar (database versions not stated): gnomAD exomes below 0.00001.
gnomAD v4.1: 1 of 1,613,190 alleles (0.000062%); highest among the groups gnomAD compares: Non-Finnish European, 0.000085%; no homozygotes.

Submission:

Labcorp Genetics (formerly Invitae), Labcorp
Classification: Likely pathogenic for Dilated cardiomyopathy 1G; Autosomal recessive limb-girdle muscular dystrophy type 2J. Last evaluated: 2024-10-18. Review status: criteria provided, single submitter. Criteria: Invitae Variant Classification Sherloc (09022015). Collection method: clinical testing. Allele origin: germline.
Comment: This sequence change creates a premature translational stop signal (p.Ser14094*) in the TTN gene. While this is not anticipated to result in nonsense mediated decay, it is expected to create a truncated TTN protein. This variant is not present in population databases (gnomAD no frequency). This variant has not been reported in the literature in individuals affected with TTN-related conditions. ClinVar contains an entry for this variant (Variation ID: 2035510). This variant is located in the I band of TTN (PMID: 25589632). Truncating variants in this region have been reported in individuals affected with autosomal recessive centronuclear myopathy (PMID: 23975875, internal data). Truncating variants in this region have also been identified in individuals affected with autosomal dominant dilated cardiomyopathy and/or cardio-related conditions (PMID: 27869827, 32964742, internal data). In summary, the currently available evidence indicates that the variant is pathogenic, but additional data are needed to prove that conclusively. Therefore, this variant has been classified as Likely Pathogenic.

Literature cited by the submitters: PubMed 25589632; PubMed 23975875; PubMed 27869827; PubMed 32964742.